The following is an entry in ClinVar:

NM_001519.4(BRF1):c.687C>T (p.Cys229=)

Gene: BRF1 (BRF1 general transcription factor IIIB subunit; minus strand). Cytogenetic location: 14q32.33.
Variant type: single nucleotide variant.
Coding change: c.687C>T on transcript NM_001519.4 (MANE Select); coding-DNA position 687, C replaced by T.
Protein change: p.Cys229=; no amino-acid change (cysteine 229 retained).
Molecular consequence: synonymous variant. On other transcripts: intron variant (1).
Genome position (GRCh38, 1-based): chr14:105,241,272, G>A on the plus strand (C>T on the coding strand, the complement: BRF1 is on the minus strand). VCF-style: chr14-105241272-G-A. GRCh37 (hg19) VCF-style: chr14-105707609-G-A.
Other names: c.342C>T, p.Cys114= (NM_001242786.2, NM_001242787.2); c.606C>T, p.Cys202= (NM_001242788.2); c.75C>T, p.Cys25= (NM_145685.3); c.-21+7877C>T (NM_001242789.2).
Identifiers: ClinVar variation 710470 (VCV000710470.34), dbSNP rs140813617, ClinGen allele CA7387584.
Genomic context (GRCh38, chr14:105,241,272, plus strand): 5'-TGTGAGGCCAGGACCCAGACCAGCATCCCCCAGGCAGGCAGGGCCCGCTGTACCTGCTCC[G>A]CAGAGGCCCGAGGGGCGCCGGCCTGTGTGCATCCAGTCCCGCTTCATCCTCTGTAGGAGC-3'
Protein context (NP_001510.2, residues 219-239): MHTGRRPSGL[Cys229=]GAALLVAARM

ClinVar aggregate classification (germline): Benign. Review status: criteria provided, multiple submitters, no conflicts (2 of 4 stars). 3 submissions from 3 submitters: Benign (3). Last evaluated 2024-07-01.

Allele frequency attached by ClinVar (database versions not stated): ESP Exome Variant Server 0.00746; gnomAD exomes 0.00768; ExAC 0.00839; TOPMed 0.00839; 1000 Genomes Project 30x 0.01093; 1000 Genomes Project 0.01138.
gnomAD v4.1: 15,305 of 1,611,548 alleles (0.95%); highest among the groups gnomAD compares: East Asian, 2.4%; 104 homozygotes.

Submissions (3):

CeGaT Center for Human Genetics Tuebingen
Classification: Benign. Last evaluated: 2024-07-01. Review status: criteria provided, single submitter. Criteria: CeGaT Center For Human Genetics Tuebingen Variant Classification Criteria Version 2. Collection method: clinical testing. Allele origin: germline. Affected: yes. Observed: 15 variant alleles.
Comment: BRF1: BP4, BP7, BS1, BS2

Labcorp Genetics (formerly Invitae), Labcorp
Classification: Benign. Last evaluated: 2019-12-31. Review status: criteria provided, single submitter. Criteria: Invitae Variant Classification Sherloc (09022015). Collection method: clinical testing. Allele origin: germline.

Breakthrough Genomics
Classification: Benign. Review status: criteria provided, single submitter. Criteria: ACMG Guidelines, 2015. Collection method: not provided. Allele origin: germline. Inheritance: Autosomal recessive inheritance. Affected: yes.